The following is an entry in ClinVar:

NM_000396.4(CTSK):c.755G>C (p.Ser252Thr)

Gene: CTSK (cathepsin K; minus strand). Cytogenetic location: 1q21.3.
Variant type: single nucleotide variant.
Coding change: c.755G>C on transcript NM_000396.4 (MANE Select); coding-DNA position 755, G replaced by C.
Protein change: p.Ser252Thr; replaces serine 252 with threonine.
Molecular consequence: missense variant.
Genome position (GRCh38, 1-based): chr1:150,799,573, C>G on the plus strand (G>C on the coding strand, the complement: CTSK is on the minus strand). VCF-style: chr1-150799573-C-G. GRCh37 (hg19) VCF-style: chr1-150772049-C-G.
Other names: short protein forms S252T.
Identifiers: ClinVar variation 2103406 (VCV002103406.4), dbSNP rs1571123597, ClinGen allele CA342336016.

ClinVar aggregate classification (germline): Uncertain significance (1 of 4 stars; one submission).

Submission:

Labcorp Genetics (formerly Invitae), Labcorp
Classification: Uncertain significance. Last evaluated: 2022-02-25. Review status: criteria provided, single submitter. Criteria: Invitae Variant Classification Sherloc (09022015). Collection method: clinical testing. Allele origin: germline.
Comment: This sequence change replaces serine, which is neutral and polar, with threonine, which is neutral and polar, at codon 252 of the CTSK protein (p.Ser252Thr). This variant is not present in population databases (gnomAD no frequency). In summary, the available evidence is currently insufficient to determine the role of this variant in disease. Therefore, it has been classified as a Variant of Uncertain Significance. Advanced modeling of protein sequence and biophysical properties (such as structural, functional, and spatial information, amino acid conservation, physicochemical variation, residue mobility, and thermodynamic stability) performed at Invitae indicates that this missense variant is not expected to disrupt CTSK protein function. This variant has not been reported in the literature in individuals affected with CTSK-related conditions.